The following is an entry in ClinVar:

NM_005228.5(EGFR):c.475G>A (p.Val159Met)

Gene: EGFR (epidermal growth factor receptor; plus strand). Cytogenetic location: 7p11.2.
Variant type: single nucleotide variant.
Coding change: c.475G>A on transcript NM_005228.5 (MANE Select); coding-DNA position 475, G replaced by A.
Protein change: p.Val159Met; replaces valine 159 with methionine.
Molecular consequence: missense variant. On other transcripts: intron variant (3).
Genome position (GRCh38, 1-based): chr7:55,146,656, G>A. VCF-style: chr7-55146656-G-A. GRCh37 (hg19) VCF-style: chr7-55214349-G-A.
Other names: c.475G>A, p.Val159Met (NM_001346898.2, NM_201282.2, NM_201283.2 and 1 more transcripts); c.316G>A, p.Val106Met (NM_001346900.2); c.424+3168G>A (NM_001346899.2, NM_001346897.2); c.89-9174G>A (NM_001346941.2); c.475G>A (NM_005228.4); short protein forms V159M, V106M.
Identifiers: ClinVar variation 1961696 (VCV001961696.6), dbSNP rs2128929494, ClinGen allele CA367576565.

ClinVar aggregate classification (germline): Conflicting classifications of pathogenicity. Review status: criteria provided, conflicting classifications (1 of 4 stars). 3 submissions from 3 submitters: Uncertain significance (2); Likely benign (1). Last evaluated 2025-03-15.

Conditions:
Hereditary cancer-predisposing syndrome. Also called: Hereditary Cancer Syndrome; Hereditary neoplastic syndrome; Tumor predisposition; Neoplastic Syndromes, Hereditary. Identifiers: Orphanet 140162, MedGen C0027672, MeSH D009386, MONDO:0015356.
EGFR-related lung cancer (EGFR). Identifiers: MedGen CN130014.
EGFR-related disorder. Also called: EGFR-related condition.

Submissions (3):

Ambry Genetics
Classification: Likely benign for Hereditary cancer-predisposing syndrome. Last evaluated: 2025-03-15. Review status: criteria provided, single submitter. Criteria: Ambry Variant Classification Scheme 2023. Collection method: clinical testing. Allele origin: germline.

Labcorp Genetics (formerly Invitae), Labcorp
Classification: Uncertain significance for EGFR-related lung cancer. Last evaluated: 2025-01-23. Review status: criteria provided, single submitter. Criteria: Invitae Variant Classification Sherloc (09022015). Collection method: clinical testing. Allele origin: germline.
Comment: This sequence change replaces valine, which is neutral and non-polar, with methionine, which is neutral and non-polar, at codon 159 of the EGFR protein (p.Val159Met). This variant is not present in population databases (gnomAD no frequency). This variant has not been reported in the literature in individuals affected with EGFR-related conditions. ClinVar contains an entry for this variant (Variation ID: 1961696). An algorithm developed to predict the effect of missense changes on protein structure and function outputs the following: PolyPhen-2: "Benign". The methionine amino acid residue is found in multiple mammalian species, which suggests that this missense change does not adversely affect protein function. In summary, the available evidence is currently insufficient to determine the role of this variant in disease. Therefore, it has been classified as a Variant of Uncertain Significance.

PreventionGenetics, part of Exact Sciences
Classification: Uncertain significance for EGFR-related condition. Last evaluated: 2023-07-20. Review status: criteria provided, single submitter. Criteria: ACMG Guidelines, 2015. Collection method: clinical testing. Allele origin: germline.
Comment: The EGFR c.475G>A variant is predicted to result in the amino acid substitution p.Val159Met. To our knowledge, this variant has not been reported in the literature or in a large population database, indicating this variant is rare. At this time, the clinical significance of this variant is uncertain due to the absence of conclusive functional and genetic evidence.